The following is an entry in ClinVar:

NC_000002.11:g.(?_234217836)_(234255558_?)dup

Gene: SAG (S-antigen visual arrestin; plus strand). Cytogenetic location: 2q37.1.
Variant type: Duplication.
Identifiers: ClinVar variation 3247464 (VCV003247464.1).

ClinVar aggregate classification (germline): Uncertain significance (1 of 4 stars; one submission).

Submission:

Labcorp Genetics (formerly Invitae), Labcorp
Classification: Uncertain significance. Last evaluated: 2023-01-06. Review status: criteria provided, single submitter. Criteria: Invitae Variant Classification Sherloc (09022015). Collection method: clinical testing. Allele origin: unknown.
Comment: In summary, the available evidence is currently insufficient to determine the role of this variant in disease. Therefore, it has been classified as a Variant of Uncertain Significance. This variant has not been reported in the literature in individuals affected with SAG-related conditions. A copy number gain of the genomic region encompassing the full coding sequence of the SAG gene has been identified. The boundaries of this event are unknown as they extend beyond the assayed region for this gene and therefore may encompass additional genes. As the precise location of this event is unknown, it may be in tandem or it may be located elsewhere in the genome.